The following is an entry in ClinVar:

ClinVar aggregate classification (germline): Uncertain significance. Review status: criteria provided, multiple submitters, no conflicts (2 of 4 stars). 2 submissions from 2 submitters: Uncertain significance (2). Last evaluated 2025-12-09.

Allele frequency attached by ClinVar (database versions not stated): TOPMed below 0.00001; gnomAD exomes 0.00001.
gnomAD v4.1: 4 of 1,614,136 alleles (0.00025%); highest among the groups gnomAD compares: Admixed American, 0.0067%; no homozygotes.

Submissions (2):

Ambry Genetics
Classification: Uncertain significance. Last evaluated: 2025-12-09. Review status: criteria provided, single submitter. Criteria: Ambry Variant Classification Scheme 2023. Collection method: clinical testing. Allele origin: germline.

Labcorp Genetics (formerly Invitae), Labcorp
Classification: Uncertain significance. Last evaluated: 2025-07-23. Review status: criteria provided, single submitter. Criteria: Invitae Variant Classification Sherloc (09022015). Collection method: clinical testing. Allele origin: germline.
Comment: This sequence change replaces glutamic acid, which is acidic and polar, with glutamine, which is neutral and polar, at codon 112 of the MYLK3 protein (p.Glu112Gln). This variant is present in population databases (no rsID available, gnomAD 0.006%). This variant has not been reported in the literature in individuals affected with MYLK3-related conditions. ClinVar contains an entry for this variant (Variation ID: 1431592). An algorithm developed to predict the effect of missense changes on protein structure and function (PolyPhen-2) suggests that this variant is likely to be disruptive. In summary, the available evidence is currently insufficient to determine the role of this variant in disease. Therefore, it has been classified as a Variant of Uncertain Significance.

NM_182493.3(MYLK3):c.334G>C (p.Glu112Gln)

Gene: MYLK3 (myosin light chain kinase 3; minus strand). Cytogenetic location: 16q11.2.
Variant type: single nucleotide variant.
Coding change: c.334G>C on transcript NM_182493.3 (MANE Select); coding-DNA position 334, G replaced by C.
Protein change: p.Glu112Gln; replaces glutamic acid 112 with glutamine.
Molecular consequence: missense variant. On other transcripts: intron variant (1).
Genome position (GRCh38, 1-based): chr16:46,747,860, C>G on the plus strand (G>C on the coding strand, the complement: MYLK3 is on the minus strand). VCF-style: chr16-46747860-C-G. GRCh37 (hg19) VCF-style: chr16-46781772-C-G.
Other names: c.334G>C (NM_182493.2); c.-113-7713G>C (NM_001308301.1); short protein forms E112Q.
Identifiers: ClinVar variation 1431592 (VCV001431592.8), dbSNP rs946842525, ClinGen allele CA280241335.